The following is an entry in ClinVar:

NM_004183.4(BEST1):c.165G>A (p.Thr55=)

Gene: BEST1 (bestrophin 1; plus strand). Cytogenetic location: 11q12.3.
Variant type: single nucleotide variant.
Coding change: c.165G>A on transcript NM_004183.4 (MANE Select); coding-DNA position 165, G replaced by A.
Protein change: p.Thr55=; no amino-acid change (threonine 55 retained).
Molecular consequence: synonymous variant. On other transcripts: 5 prime UTR variant (2), non-coding transcript variant (1).
Genome position (GRCh38, 1-based): chr11:61,955,119, G>A. VCF-style: chr11-61955119-G-A. GRCh37 (hg19) VCF-style: chr11-61722591-G-A.
Other names: c.-16G>A (NM_001139443.3, NM_001300786.2, NM_001300787.2); c.165G>A, p.Thr55= (NM_001363592.2).
Identifiers: ClinVar variation 99683 (VCV000099683.12), dbSNP rs62637050, ClinGen allele CA227728.

ClinVar aggregate classification (germline): Likely benign. Review status: criteria provided, multiple submitters, no conflicts (2 of 4 stars). 3 submissions from 3 submitters: Likely benign (2). 1 of the submissions does not count toward it. Last evaluated 2025-09-14.

Conditions:
BEST1-related disorder. Also called: BEST1-related condition; BEST1-related disorders. Identifiers: MedGen CN239200.

Allele frequency attached by ClinVar (database versions not stated): gnomAD 0.00001; gnomAD exomes 0.00001 and 0.00003; ExAC 0.00002.
gnomAD v4.1: 38 of 1,511,384 alleles (0.0025%); highest among the groups gnomAD compares: Non-Finnish European, 0.0031%; 1 homozygote.

Submissions (3):

PreventionGenetics, part of Exact Sciences
Classification: Likely benign for BEST1-related condition. Last evaluated: 2025-09-14. Review status: criteria provided, single submitter. Criteria: ACMG Guidelines, 2015. Collection method: clinical testing. Allele origin: germline.
Comment: This variant is classified as likely benign based on ACMG/AMP sequence variant interpretation guidelines (Richards et al. 2015 PMID: 25741868, with internal and published modifications).

Labcorp Genetics (formerly Invitae), Labcorp
Classification: Likely benign. Last evaluated: 2022-06-13. Review status: criteria provided, single submitter. Criteria: Invitae Variant Classification Sherloc (09022015). Collection method: clinical testing. Allele origin: germline.

Retina International
No classification provided. Review status: no classification provided. Collection method: not provided. Allele origin: not provided. Not counted in ClinVar's aggregate classification.